The following is an entry in ClinVar:

NM_001029896.2(WDR45):c.584_585del (p.Ile195fs)

Gene: WDR45 (WD repeat domain 45; minus strand). Cytogenetic location: Xp11.23.
Variant type: Deletion.
Coding change: c.584_585del on transcript NM_001029896.2 (MANE Select); coding-DNA positions 584 to 585, 2 bases deleted (TA; older notation c.584_585delTA).
Protein change: p.Ile195fs; shifts the reading frame from isoleucine 195.
Molecular consequence: frameshift variant.
Genome position (GRCh38, 1-based): chrX:49,075,685-49,075,686, TA deleted on the plus strand (TA on the coding strand, the reverse complement: WDR45 is on the minus strand); deleting any 2 consecutive bases within chrX:49,075,685-49,075,687 gives the same sequence; the c. name uses the placement nearest the transcript's 3' end. VCF-style (leftmost placement, unchanged base first): chrX-49075684-CTA-C. GRCh37 (hg19) VCF-style: chrX-48933343-CTA-C.
Other names: c.587_588del, p.Ile196fs (NM_007075.4); c.587_588delTA (NM_007075.3); short protein forms I195fs, I196fs.
Identifiers: ClinVar variation 280097 (VCV000280097.3), dbSNP rs886041381, ClinGen allele CA10603731.

ClinVar aggregate classification (germline): Pathogenic. Review status: criteria provided, multiple submitters, no conflicts (2 of 4 stars). 2 submissions from 2 submitters: Pathogenic (2). Last evaluated 2017-12-31.

Conditions:
Neurodegeneration with brain iron accumulation 5 (NBIA5). Also called: STATIC ENCEPHALOPATHY OF CHILDHOOD WITH NEURODEGENERATION IN ADULTHOOD; Beta-propeller protein-associated neurodegeneration. Identifiers: Orphanet 329284, MedGen C3550973, MONDO:0010476, OMIM 300894.

Submissions (2):

Baylor Genetics
Classification: Pathogenic for Neurodegeneration with brain iron accumulation 5. Last evaluated: 2017-12-31. Review status: criteria provided, single submitter. Criteria: ACMG Guidelines, 2015. Collection method: clinical testing. Allele origin: germline. Affected: yes.

GeneDx
Classification: Pathogenic. Last evaluated: 2017-06-08. Review status: criteria provided, single submitter. Criteria: GeneDx Variant Classification (06012015). Collection method: clinical testing. Allele origin: germline. Affected: yes.
Comment: The c.587_588delTA pathogenic variant in the WDR45 gene has been reported as a de novo finding in two unrelated females with histories of neurodegeneration with brain iron accumulation, intellectual disability and early-onset parkinsonism (Nishioka et al., 2015). The c.587_588delTA variant causes a frameshift starting with codon Isoleucine 196, changes this amino acid to a Serine residue, and creates a premature Stop codon at position 26 of the new reading frame, denoted p.I196SfsX26. This variant is predicted to cause loss of normal protein function either through protein truncation or nonsense-mediated mRNA decay. The c.587_588delTA variant was not observed in approximately 6,500 individuals of European and African American ancestry in the NHLBI Exome Sequencing Project, indicating it is not a common benign variant in these populations. We interpret c.587_588delTA as a pathogenic variant.